The following is an entry in ClinVar:

ClinVar aggregate classification (germline): Uncertain significance (1 of 4 stars; one submission).

Conditions:
Neurooculorenal syndrome (NORS). Identifiers: MedGen C5830377, MONDO:0957210, OMIM 620305.

gnomAD v4.1: 44 of 1,613,728 alleles (0.0027%); highest among the groups gnomAD compares: African/African-American, 0.015%; no homozygotes.

Submission:

Dasa
Classification: Uncertain significance for Neurooculorenal syndrome. Last evaluated: 2026-01-29. Review status: criteria provided, single submitter. Criteria: DASA Assertion Criteria. Collection method: clinical testing. Allele origin: germline.
Comment: NM_002941.4(ROBO1):c.4709G>A (p.Arg1570Gln) is a missense variant that results in the substitution of arginine with glutamine. This variant is rare in population databases. Computational prediction algorithms are consistent with a benign effect. The currently available literature and clinical evidence are not sufficient to establish a definitive association between this variant and the reported condition. Therefore, this variant is classified as a variant of uncertain significance.

NM_002941.4(ROBO1):c.4709G>A (p.Arg1570Gln)

Gene: ROBO1 (roundabout guidance receptor 1; minus strand). Cytogenetic location: 3p12.3.
Variant type: single nucleotide variant.
Coding change: c.4709G>A on transcript NM_002941.4 (MANE Select); coding-DNA position 4709, G replaced by A.
Protein change: p.Arg1570Gln; replaces arginine 1570 with glutamine.
Molecular consequence: missense variant.
Genome position (GRCh38, 1-based): chr3:78,606,768, C>T on the plus strand (G>A on the coding strand, the complement: ROBO1 is on the minus strand). VCF-style: chr3-78606768-C-T. GRCh37 (hg19) VCF-style: chr3-78655918-C-T.
Other names: c.4409G>A, p.Arg1470Gln (NM_001145845.2); c.4574G>A, p.Arg1525Gln (NM_133631.4); short protein forms R1470Q, R1525Q, R1570Q.
Identifiers: ClinVar variation 4882109 (VCV004882109.2).